The following is an entry in ClinVar:

ClinVar aggregate classification (germline): Pathogenic (1 of 4 stars; one submission).

Conditions:
Familial cancer of breast. Also called: BREAST CANCER, FAMILIAL; Hereditary breast cancer; hereditary breast carcinoma. Identifiers: Orphanet 227535, MedGen C0346153, MONDO:0016419, OMIM 114480. Disease mechanism: loss of function.

Submission:

Myriad Genetics, Inc.
Classification: Pathogenic for Familial cancer of breast. Last evaluated: 2024-01-16. Review status: criteria provided, single submitter. Criteria: Myriad Autosomal Dominant, Autosomal Recessive and X-Linked Classification Criteria (2023). Collection method: clinical testing. Allele origin: unknown.
Comment: This variant is considered pathogenic. This variant creates a termination codon and is predicted to result in premature protein truncation.

NM_000051.4(ATM):c.1589C>G (p.Ser530Ter)

Gene: ATM (ATM serine/threonine kinase; plus strand). Cytogenetic location: 11q22.3.
Variant type: single nucleotide variant.
Coding change: c.1589C>G on transcript NM_000051.4 (MANE Select); coding-DNA position 1589, C replaced by G.
Protein change: p.Ser530Ter; replaces serine 530 with a stop codon.
Molecular consequence: nonsense.
Genome position (GRCh38, 1-based): chr11:108,251,054, C>G. VCF-style: chr11-108251054-C-G. GRCh37 (hg19) VCF-style: chr11-108121781-C-G.
Other names: c.1589C>G, p.Ser530Ter (NM_001351834.2); short protein forms S530*.
Identifiers: ClinVar variation 3148171 (VCV003148171.1), dbSNP rs2080120731, ClinGen allele CA382534421.